The following is an entry in ClinVar:

NM_000092.5(COL4A4):c.1580G>A (p.Gly527Asp)

Gene: COL4A4 (collagen type IV alpha 4 chain; minus strand). Cytogenetic location: 2q36.3.
Variant type: single nucleotide variant.
Coding change: c.1580G>A on transcript NM_000092.5 (MANE Select); coding-DNA position 1580, G replaced by A.
Protein change: p.Gly527Asp; replaces glycine 527 with aspartic acid.
Molecular consequence: missense variant.
Genome position (GRCh38, 1-based): chr2:227,088,696, C>T on the plus strand (G>A on the coding strand, the complement: COL4A4 is on the minus strand). VCF-style: chr2-227088696-C-T. GRCh37 (hg19) VCF-style: chr2-227953412-C-T.
Other names: short protein forms G527D.
Identifiers: ClinVar variation 1468539 (VCV001468539.6), dbSNP rs1358624171, ClinGen allele CA350849788.
Genomic context (GRCh38, chr2:227,088,696, plus strand): 5'-TGGTAAGAGGTACTCACTGGTAGCCCTGGAGGTCCTTCAGCACCAGGAGGTCCTGGGTCA[C>T]CTTTTGTTCCAAGCCAGCCAGGGAGCCCCAAGTCTCCCTTACTCCCCTGCCTCCCAGGAA-3'
Protein context (NP_000083.3, residues 517-537): LGLPGWLGTK[Gly527Asp]DPGPPGAEGP

ClinVar aggregate classification (germline): Likely pathogenic (1 of 4 stars; one submission).

Submission:

Labcorp Genetics (formerly Invitae), Labcorp
Classification: Likely pathogenic. Last evaluated: 2021-08-30. Review status: criteria provided, single submitter. Criteria: Invitae Variant Classification Sherloc (09022015). Collection method: clinical testing. Allele origin: germline.
Comment: This variant is not present in population databases (ExAC no frequency). This sequence change replaces glycine with aspartic acid at codon 527 of the COL4A4 protein (p.Gly527Asp). The glycine residue is highly conserved and there is a moderate physicochemical difference between glycine and aspartic acid. This variant has not been reported in the literature in individuals affected with COL4A4-related conditions. Advanced modeling of protein sequence and biophysical properties (such as structural, functional, and spatial information, amino acid conservation, physicochemical variation, residue mobility, and thermodynamic stability) performed at Invitae indicates that this missense variant is expected to disrupt COL4A4 protein function. This variant disrupts the p.Gly527 amino acid residue in COL4A4. Other variant(s) that disrupt this residue have been determined to be pathogenic (PMID: 19129241). This suggests that this residue is clinically significant, and that variants that disrupt this residue are likely to be disease-causing. In summary, the currently available evidence indicates that the variant is pathogenic, but additional data are needed to prove that conclusively. Therefore, this variant has been classified as Likely Pathogenic.

Literature cited by the submitters: PubMed 19129241.